The following is an entry in ClinVar:

ClinVar aggregate classification (germline): Likely benign (1 of 4 stars; one submission).

Allele frequency attached by ClinVar (database versions not stated): gnomAD 0.00001; ExAC 0.00002.

Submission:

CeGaT Center for Human Genetics Tuebingen
Classification: Likely benign. Last evaluated: 2022-10-01. Review status: criteria provided, single submitter. Criteria: CeGaT Center For Human Genetics Tuebingen Variant Classification Criteria Version 2. Collection method: clinical testing. Allele origin: germline. Affected: yes. Observed: 1 variant allele.
Comment: POLRMT: BP4

NM_005035.4(POLRMT):c.3069G>T (p.Glu1023Asp)

Gene: POLRMT (RNA polymerase mitochondrial; minus strand). Cytogenetic location: 19p13.3.
Variant type: single nucleotide variant.
Coding change: c.3069G>T on transcript NM_005035.4 (MANE Select); coding-DNA position 3069, G replaced by T.
Protein change: p.Glu1023Asp; replaces glutamic acid 1023 with aspartic acid.
Molecular consequence: missense variant. On other transcripts: non-coding transcript variant (1), intron variant (2).
Genome position (GRCh38, 1-based): chr19:619,294, C>A on the plus strand (G>T on the coding strand, the complement: POLRMT is on the minus strand). VCF-style: chr19-619294-C-A. GRCh37 (hg19) VCF-style: chr19-619294-C-A.
Other names: c.2736G>T, p.Glu912Asp (NM_001407834.1); c.2667G>T, p.Glu889Asp (NM_001407836.1); c.3067-37G>T (NM_001407812.1); c.2743-37G>T (NM_001407835.1); c.3069G>T, p.Glu1023Asp (NM_001407805.1, NM_001407816.1); c.3060G>T, p.Glu1020Asp (NM_001407806.1, NM_001407809.1); c.3057G>T, p.Glu1019Asp (NM_001407807.1, NM_001407810.1); c.3078G>T, p.Glu1026Asp (NM_001407808.1); and 5 more; short protein forms E1009D, E1019D, E1020D, E1023D, E1026D, E889D, E912D, E915D.
Identifiers: ClinVar variation 2648852 (VCV002648852.24), dbSNP rs764581484, ClinGen allele CA9019519.